The following is an entry in ClinVar:

ClinVar aggregate classification (germline): Uncertain significance. Review status: criteria provided, multiple submitters, no conflicts (2 of 4 stars). 2 submissions from 2 submitters: Uncertain significance (2). Last evaluated 2025-09-25.

Conditions:
Hereditary nonpolyposis colorectal neoplasms. Identifiers: MedGen C0009405, MeSH D003123.

Submissions (2):

Quest Diagnostics Nichols Institute San Juan Capistrano
Classification: Uncertain significance. Last evaluated: 2025-09-25. Review status: criteria provided, single submitter. Criteria: Quest Diagnostics criteria. Collection method: clinical testing. Allele origin: unknown.
Comment: The PMS2 c.1119T>G (p.Ser373Arg) variant has not been reported in individuals with PMS2-related conditions in the published literature. This variant has not been reported in large, multi-ethnic general populations (Genome Aggregation Database). Analysis of this variant using bioinformatics tools for the prediction of the effect of amino acid changes on protein structure and function yielded predictions that this variant is benign. Based on the available information, we are unable to determine the clinical significance of this variant.

Labcorp Genetics (formerly Invitae), Labcorp
Classification: Uncertain significance for Hereditary nonpolyposis colorectal neoplasms. Last evaluated: 2023-09-22. Review status: criteria provided, single submitter. Criteria: Invitae Variant Classification Sherloc (09022015). Collection method: clinical testing. Allele origin: germline.
Comment: This variant is not present in population databases (gnomAD no frequency). This sequence change replaces serine, which is neutral and polar, with arginine, which is basic and polar, at codon 373 of the PMS2 protein (p.Ser373Arg). In summary, the available evidence is currently insufficient to determine the role of this variant in disease. Therefore, it has been classified as a Variant of Uncertain Significance. Advanced modeling of protein sequence and biophysical properties (such as structural, functional, and spatial information, amino acid conservation, physicochemical variation, residue mobility, and thermodynamic stability) has been performed at Invitae for this missense variant, however the output from this modeling did not meet the statistical confidence thresholds required to predict the impact of this variant on PMS2 protein function. ClinVar contains an entry for this variant (Variation ID: 411081). This variant has not been reported in the literature in individuals affected with PMS2-related conditions.

Literature cited by the submitters: PubMed 31819260 (cited by Quest Diagnostics Nichols Institute San Juan Capistrano).

NM_000535.7(PMS2):c.1119T>G (p.Ser373Arg)

Gene: PMS2 (PMS1 homolog 2, mismatch repair system component; minus strand). Cytogenetic location: 7p22.1.
Variant type: single nucleotide variant.
Coding change: c.1119T>G on transcript NM_000535.7 (MANE Select); coding-DNA position 1119, T replaced by G.
Protein change: p.Ser373Arg; replaces serine 373 with arginine.
Molecular consequence: missense variant. On other transcripts: non-coding transcript variant (1), intron variant (2).
Genome position (GRCh38, 1-based): chr7:5,989,825, A>C on the plus strand (T>G on the coding strand, the complement: PMS2 is on the minus strand). VCF-style: chr7-5989825-A-C. GRCh37 (hg19) VCF-style: chr7-6029456-A-C.
Other names: c.714T>G, p.Ser238Arg (NM_001322003.2, NM_001322004.2, NM_001322005.2 and 1 more transcripts); c.801T>G, p.Ser267Arg (NM_001322007.2, NM_001322008.2); c.186T>G, p.Ser62Arg (NM_001322011.2, NM_001322012.2); c.546T>G, p.Ser182Arg (NM_001322013.2); c.1119T>G, p.Ser373Arg (NM_001322014.2); c.810T>G, p.Ser270Arg (NM_001322015.2); c.583+2148T>G (NM_001322010.2); c.988+2148T>G (NM_001322006.2); and 1 more; short protein forms S373R, S267R, S238R, S270R, S62R, S182R.
Identifiers: ClinVar variation 411081 (VCV000411081.11), dbSNP rs1060503147, ClinGen allele CA16612141.
Genomic context (GRCh38, chr7:5,989,825, plus strand): 5'-CTTTAGAAGCTGTTTGTACACTGTATTTTTCTTACCTTCAACATCCAGCAGTGGCTGCTG[A>C]CTGACATTTAGCTTGTTGACATCACTATCAAACATTCCTATCAAAGAGGTCTTTAAAACT-3'
Protein context (NP_000526.2, residues 363-383): FDSDVNKLNV[Ser373Arg]QQPLLDVEGN